The following is an entry in ClinVar:

NM_182760.4(SUMF1):c.28T>C (p.Cys10Arg)

Gene: SUMF1 (sulfatase modifying factor 1; minus strand). Cytogenetic location: 3p26.1.
Variant type: single nucleotide variant.
Coding change: c.28T>C on transcript NM_182760.4 (MANE Select); coding-DNA position 28, T replaced by C.
Protein change: p.Cys10Arg; replaces cysteine 10 with arginine.
Molecular consequence: missense variant.
Genome position (GRCh38, 1-based): chr3:4,467,218, A>G on the plus strand (T>C on the coding strand, the complement: SUMF1 is on the minus strand). VCF-style: chr3-4467218-A-G. GRCh37 (hg19) VCF-style: chr3-4508902-A-G.
Other names: c.28T>C, p.Cys10Arg (NM_001164674.2, NM_001164675.2); short protein forms C10R.
Identifiers: ClinVar variation 989690 (VCV000989690.3), dbSNP rs776028375, ClinGen allele CA2230742.

ClinVar aggregate classification (germline): Uncertain significance. Review status: criteria provided, single submitter (1 of 4 stars). 2 submissions from 2 submitters: Uncertain significance (1). 1 of the submissions does not count toward it. Last evaluated 2022-08-13.

Conditions:
Multiple sulfatase deficiency (MSD). Also called: Multiple Sulfatase Deficiency Disease; Mucosulfatidosis; Sulfatidosis, Juvenile, Austin Type. Identifiers: Orphanet 585, MedGen C0268263, MONDO:0010088, OMIM 272200.

Allele frequency attached by ClinVar (database versions not stated): gnomAD below 0.00001 and 0.00001; TOPMed 0.00001; ExAC 0.00002; gnomAD exomes 0.00003 and 0.00005.
gnomAD v4.1: 38 of 1,611,610 alleles (0.0024%); highest among the groups gnomAD compares: South Asian, 0.04%; no homozygotes.

Submissions (2):

Labcorp Genetics (formerly Invitae), Labcorp
Classification: Uncertain significance for Multiple sulfatase deficiency. Last evaluated: 2022-08-13. Review status: criteria provided, single submitter. Criteria: Invitae Variant Classification Sherloc (09022015). Collection method: clinical testing. Allele origin: germline.
Comment: This sequence change replaces cysteine, which is neutral and slightly polar, with arginine, which is basic and polar, at codon 10 of the SUMF1 protein (p.Cys10Arg). This variant is present in population databases (rs776028375, gnomAD 0.04%). This variant has not been reported in the literature in individuals affected with SUMF1-related conditions. ClinVar contains an entry for this variant (Variation ID: 989690). Algorithms developed to predict the effect of missense changes on protein structure and function output the following: SIFT: "Tolerated"; PolyPhen-2: "Benign"; Align-GVGD: "Class C0". The arginine amino acid residue is found in multiple mammalian species, which suggests that this missense change does not adversely affect protein function. Algorithms developed to predict the effect of sequence changes on RNA splicing suggest that this variant may create or strengthen a splice site. In summary, the available evidence is currently insufficient to determine the role of this variant in disease. Therefore, it has been classified as a Variant of Uncertain Significance.

Natera, Inc.
Classification: Likely benign for Multiple sulfatase deficiency. Last evaluated: 2020-10-29. Review status: no assertion criteria provided. Collection method: clinical testing. Allele origin: germline. Not counted in ClinVar's aggregate classification.